The following is an entry in ClinVar:

NM_032888.4(COL27A1):c.4071C>T (p.Arg1357=)

Genes: COL27A1 (collagen type XXVII alpha 1 chain; plus strand), LOC126860736 (MED14-independent group 3 enhancer GRCh37_chr9:117050487-117051686; plus strand). Cytogenetic location: 9q32.
Variant type: single nucleotide variant.
Coding change: c.4071C>T on transcript NM_032888.4 (MANE Select); coding-DNA position 4071, C replaced by T.
Protein change: p.Arg1357=; no amino-acid change (arginine 1357 retained).
Molecular consequence: synonymous variant.
Genome position (GRCh38, 1-based): chr9:114,288,728, C>T. VCF-style: chr9-114288728-C-T. GRCh37 (hg19) VCF-style: chr9-117051008-C-T.
Identifiers: ClinVar variation 755057 (VCV000755057.14), dbSNP rs374362032, ClinGen allele CA5202765.

ClinVar aggregate classification (germline): Likely benign. Review status: criteria provided, multiple submitters, no conflicts (2 of 4 stars). 3 submissions from 3 submitters: Likely benign (2). 1 of the submissions does not count toward it. Last evaluated 2025-10-18.

Conditions:
COL27A1-related disorder. Also called: COL27A1-related condition.

Allele frequency attached by ClinVar (database versions not stated): TOPMed 0.00004; ExAC 0.00008; ESP Exome Variant Server 0.00008; gnomAD exomes 0.00009 and 0.00011; gnomAD 0.00011 and 0.00012.
gnomAD v4.1: 153 of 1,610,702 alleles (0.0095%); highest among the groups gnomAD compares: Admixed American, 0.005%; no homozygotes.

Submissions (3):

Labcorp Genetics (formerly Invitae), Labcorp
Classification: Likely benign. Last evaluated: 2025-10-18. Review status: criteria provided, single submitter. Criteria: Invitae Variant Classification Sherloc (09022015). Collection method: clinical testing. Allele origin: germline.

Blueprint Genetics
Classification: Likely benign. Last evaluated: 2024-10-14. Review status: criteria provided, single submitter. Criteria: ACMG Guidelines, 2015. Collection method: clinical testing. Allele origin: germline.

PreventionGenetics, part of Exact Sciences
Classification: Likely benign for COL27A1-related condition. Last evaluated: 2019-02-19. Review status: no assertion criteria provided. Collection method: clinical testing. Allele origin: germline. Not counted in ClinVar's aggregate classification.
Comment: This variant is classified as likely benign based on ACMG/AMP sequence variant interpretation guidelines (Richards et al. 2015 PMID: 25741868, with internal and published modifications).